The following is an entry in ClinVar:

ClinVar aggregate classification (germline): Uncertain significance (1 of 4 stars; one submission).

Allele frequency attached by ClinVar (database versions not stated): gnomAD exomes below 0.00001.
gnomAD v4.1: 1 of 1,611,606 alleles (0.000062%); highest among the groups gnomAD compares: Non-Finnish European, 0.000085%; no homozygotes.

Submission:

Labcorp Genetics (formerly Invitae), Labcorp
Classification: Uncertain significance. Last evaluated: 2020-01-06. Review status: criteria provided, single submitter. Criteria: Invitae Variant Classification Sherloc (09022015). Collection method: clinical testing. Allele origin: germline.
Comment: This variant has not been reported in the literature in individuals with IFT27-related conditions. In summary, the available evidence is currently insufficient to determine the role of this variant in disease. Therefore, it has been classified as a Variant of Uncertain Significance. Nucleotide substitutions within the consensus splice site are a relatively common cause of aberrant splicing (PMID: 17576681, 9536098). Algorithms developed to predict the effect of sequence changes on RNA splicing suggest that this variant may disrupt the consensus splice site, but this prediction has not been confirmed by published transcriptional studies. This variant is not present in population databases (ExAC no frequency). This sequence change falls in intron 2 of the IFT27 gene. It does not directly change the encoded amino acid sequence of the IFT27 protein, but it affects a nucleotide within the consensus splice site of the intron.

Literature cited by the submitters: PubMed 17576681; PubMed 9536098.

NM_001177701.3(IFT27):c.115-3C>T

Gene: IFT27 (intraflagellar transport 27; minus strand). Cytogenetic location: 22q12.3.
Variant type: single nucleotide variant.
Coding change: c.115-3C>T on transcript NM_001177701.3 (MANE Select); 3 bases into the intron before coding-DNA position 115, C replaced by T.
Molecular consequence: intron variant.
Genome position (GRCh38, 1-based): chr22:36,767,368, G>A on the plus strand (C>T on the coding strand, the complement: IFT27 is on the minus strand). VCF-style: chr22-36767368-G-A. GRCh37 (hg19) VCF-style: chr22-37163412-G-A.
Other names: c.115-3C>T (NM_001363003.2); c.112-3C>T (NM_006860.5).
Identifiers: ClinVar variation 1026776 (VCV001026776.7), dbSNP rs1938280513, ClinGen allele CA2404024742.